The following is an entry in ClinVar:

NM_005585.5(SMAD6):c.1399A>C (p.Ser467Arg)

Gene: SMAD6 (SMAD family member 6; plus strand). Cytogenetic location: 15q22.31.
Variant type: single nucleotide variant.
Coding change: c.1399A>C on transcript NM_005585.5 (MANE Select); coding-DNA position 1399, A replaced by C.
Protein change: p.Ser467Arg; replaces serine 467 with arginine.
Molecular consequence: missense variant. On other transcripts: non-coding transcript variant (1).
Genome position (GRCh38, 1-based): chr15:66,781,443, A>C. VCF-style: chr15-66781443-A-C. GRCh37 (hg19) VCF-style: chr15-67073781-A-C.
Other names: short protein forms S467R.
Identifiers: ClinVar variation 5009099 (VCV005009099.1).

ClinVar aggregate classification (germline): Uncertain significance (1 of 4 stars; one submission).

gnomAD v4.1: 1 of 1,605,208 alleles (0.000062%); highest among the groups gnomAD compares: Non-Finnish European, 0.000085%; no homozygotes.

Submission:

GeneDx
Classification: Uncertain significance. Last evaluated: 2026-03-12. Review status: criteria provided, single submitter. Criteria: GeneDx Variant Classification Process June 2021. Collection method: clinical testing. Allele origin: germline.
Comment: Not observed at significant frequency in large population cohorts (gnomAD); In silico analysis supports that this missense variant has a deleterious effect on protein structure/function; Has not been previously published as pathogenic or benign to our knowledge